The following is an entry in ClinVar:

NM_000218.3(KCNQ1):c.635T>C (p.Val212Ala)

Gene: KCNQ1 (potassium voltage-gated channel subfamily Q member 1; plus strand). Cytogenetic location: 11p15.5.
Variant type: single nucleotide variant.
Coding change: c.635T>C on transcript NM_000218.3 (MANE Select); coding-DNA position 635, T replaced by C.
Protein change: p.Val212Ala; replaces valine 212 with alanine.
Molecular consequence: missense variant. On other transcripts: intron variant (1).
Genome position (GRCh38, 1-based): chr11:2,571,355, T>C. VCF-style: chr11-2571355-T-C. GRCh37 (hg19) VCF-style: chr11-2592585-T-C.
Other names: c.635T>C, p.Val212Ala (NM_001406836.1); c.365T>C, p.Val122Ala (NM_001406837.1); c.254T>C, p.Val85Ala (NM_181798.2); c.478-12080T>C (NM_001406838.1); short protein forms V122A, V212A, V85A.
Identifiers: ClinVar variation 3071669 (VCV003071669.1), dbSNP rs2493669757, ClinGen allele CA379130496.

ClinVar aggregate classification (germline): Uncertain significance (1 of 4 stars; one submission).

Conditions:
Long QT syndrome (LQTS). Identifiers: MedGen C0023976, MeSH D008133, MONDO:0002442. Disease mechanism: loss of function. Inheritance: Various modes of inheritance.

Submission:

All of Us Research Program, National Institutes of Health
Classification: Uncertain significance for Long QT syndrome. Last evaluated: 2023-06-08. Review status: criteria provided, single submitter. Criteria: ACMG Guidelines, 2015. Collection method: clinical testing. Allele origin: germline. Inheritance: Autosomal dominant inheritance. Observed: 1 variant allele, 1 heterozygote.
Comment: This missense variant replaces valine with alanine at codon 212 of the KCNQ1 protein. Computational prediction suggests that this variant may have deleterious impact on protein structure and function (internally defined REVEL score threshold >= 0.7, PMID: 27666373). This variant is found within a highly conserved region of the transmembrane domain S3. Rare nontruncating variants in this region have been shown to be significantly overrepresented in individuals with long QT syndrome (PMID: 32893267). This variant has been reported in an individual suspected of having long QT syndrome (PMID: 19716085). This variant has not been identified in the general population by the Genome Aggregation Database (gnomAD). The available evidence is insufficient to determine the role of this variant in disease conclusively. Therefore, this variant is classified as a Variant of Uncertain Significance.

This study involves interpretation of variants in research participants for the purpose of population health screening. Participant phenotype was not available at the time of variant classification. Additional details can be found in publication PMID: 35346344, PMCID: PMC8962531

Literature cited by the submitters: PubMed 19716085; PubMed 32893267.